The following is an entry in ClinVar:

ClinVar aggregate classification (germline): Likely benign. Review status: criteria provided, multiple submitters, no conflicts (2 of 4 stars). 3 submissions from 3 submitters: Likely benign (3). Last evaluated 2024-09-17.

Conditions:
Catecholaminergic polymorphic ventricular tachycardia (CVPT). Also called: Catecholamine-induced polymorphic ventricular tachycardia. Identifiers: Orphanet 3286, MedGen C5574922, MONDO:0017990.
Cardiomyopathy (CMYO). Also called: Cardiomyopathies. Identifiers: Orphanet 167848, MedGen C0878544, MONDO:0004994, HP:0001638. Inheritance: Various modes of inheritance.
Catecholaminergic polymorphic ventricular tachycardia 1. Also called: VENTRICULAR TACHYCARDIA, CATECHOLAMINERGIC POLYMORPHIC, 1, WITH OR WITHOUT ATRIAL DYSFUNCTION AND/OR DILATED CARDIOMYOPATHY; RYR2-Related Catecholaminergic Polymorphic Ventricular Tachycardia; VENTRICULAR TACHYCARDIA, STRESS-INDUCED POLYMORPHIC 1. Identifiers: Orphanet 3286, MedGen C1631597, MONDO:0011484, OMIM 604772.

Allele frequency attached by ClinVar (database versions not stated): gnomAD exomes below 0.00001; TOPMed below 0.00001.
gnomAD v4.1: 2 of 1,613,708 alleles (0.00012%); highest among the groups gnomAD compares: Non-Finnish European, 0.00017%; no homozygotes.

Submissions (3):

Labcorp Genetics (formerly Invitae), Labcorp
Classification: Likely benign for Catecholaminergic polymorphic ventricular tachycardia 1. Last evaluated: 2024-09-17. Review status: criteria provided, single submitter. Criteria: Invitae Variant Classification Sherloc (09022015). Collection method: clinical testing. Allele origin: germline.

All of Us Research Program, National Institutes of Health
Classification: Likely benign for Catecholaminergic polymorphic ventricular tachycardia. Last evaluated: 2023-04-27. Review status: criteria provided, single submitter. Criteria: ACMG Guidelines, 2015. Collection method: clinical testing. Allele origin: germline. Inheritance: Autosomal dominant inheritance. Observed: 1 variant allele, 1 heterozygote.
Comment: This study involves interpretation of variants in research participants for the purpose of population health screening. Participant phenotype was not available at the time of variant classification. Additional details can be found in publication PMID: 35346344, PMCID: PMC8962531

Color Diagnostics, LLC DBA Color Health
Classification: Likely benign for Cardiomyopathy. Last evaluated: 2018-11-03. Review status: criteria provided, single submitter. Criteria: ACMG Guidelines, 2015. Collection method: clinical testing. Allele origin: germline.

NM_001035.3(RYR2):c.12795G>A (p.Lys4265=)

Genes: RYR2 (ryanodine receptor 2; plus strand), LOC126806068 (BRD4-independent group 4 enhancer GRCh37_chr1:237947411-237948610; plus strand). Cytogenetic location: 1q43.
Variant type: single nucleotide variant.
Coding change: c.12795G>A on transcript NM_001035.3 (MANE Select); coding-DNA position 12795, G replaced by A.
Protein change: p.Lys4265=; no amino-acid change (lysine 4265 retained).
Molecular consequence: synonymous variant.
Genome position (GRCh38, 1-based): chr1:237,784,507, G>A. VCF-style: chr1-237784507-G-A. GRCh37 (hg19) VCF-style: chr1-237947807-G-A.
Identifiers: ClinVar variation 920833 (VCV000920833.12), dbSNP rs1695389411, ClinGen allele CA424032304.